The following is an entry in ClinVar:

ClinVar aggregate classification (germline): Uncertain significance. Review status: criteria provided, multiple submitters, no conflicts (2 of 4 stars). 2 submissions from 2 submitters: Uncertain significance (2). Last evaluated 2025-05-01.

Conditions:
Inborn genetic diseases. Identifiers: MedGen C0950123, MeSH D030342.

Allele frequency attached by ClinVar (database versions not stated): TOPMed below 0.00001; gnomAD 0.00001.
gnomAD v4.1: 2 of 1,613,982 alleles (0.00012%); highest among the groups gnomAD compares: Non-Finnish European, 0.00017%; no homozygotes.

Submissions (2):

Ambry Genetics
Classification: Uncertain significance for Inborn genetic diseases. Last evaluated: 2025-05-01. Review status: criteria provided, single submitter. Criteria: Ambry Variant Classification Scheme 2023. Collection method: clinical testing. Allele origin: germline.

Labcorp Genetics (formerly Invitae), Labcorp
Classification: Uncertain significance. Last evaluated: 2022-07-01. Review status: criteria provided, single submitter. Criteria: Invitae Variant Classification Sherloc (09022015). Collection method: clinical testing. Allele origin: germline.
Comment: In summary, the available evidence is currently insufficient to determine the role of this variant in disease. Therefore, it has been classified as a Variant of Uncertain Significance. Algorithms developed to predict the effect of missense changes on protein structure and function (SIFT, PolyPhen-2, Align-GVGD) all suggest that this variant is likely to be tolerated. This variant has not been reported in the literature in individuals affected with DBR1-related conditions. This variant is not present in population databases (gnomAD no frequency). This sequence change replaces leucine, which is neutral and non-polar, with isoleucine, which is neutral and non-polar, at codon 505 of the DBR1 protein (p.Leu505Ile).

NM_016216.4(DBR1):c.1513T>A (p.Leu505Ile)

Gene: DBR1 (debranching RNA lariats 1; minus strand). Cytogenetic location: 3q22.3.
Variant type: single nucleotide variant.
Coding change: c.1513T>A on transcript NM_016216.4 (MANE Select); coding-DNA position 1513, T replaced by A.
Protein change: p.Leu505Ile; replaces leucine 505 with isoleucine.
Molecular consequence: missense variant.
Genome position (GRCh38, 1-based): chr3:138,162,011, A>T on the plus strand (T>A on the coding strand, the complement: DBR1 is on the minus strand). VCF-style: chr3-138162011-A-T. GRCh37 (hg19) VCF-style: chr3-137880853-A-T.
Other names: c.1513T>A (NM_016216.3); short protein forms L505I.
Identifiers: ClinVar variation 1972650 (VCV001972650.4), dbSNP rs2042909748, ClinGen allele CA354669021.